The following is an entry in ClinVar:

NM_004371.4(COPA):c.58A>C (p.Lys20Gln)

Gene: COPA (coat protein complex I subunit alpha; minus strand). Cytogenetic location: 1q23.2.
Variant type: single nucleotide variant.
Coding change: c.58A>C on transcript NM_004371.4 (MANE Select); coding-DNA position 58, A replaced by C.
Protein change: p.Lys20Gln; replaces lysine 20 with glutamine.
Molecular consequence: missense variant.
Genome position (GRCh38, 1-based): chr1:160,340,277, T>G on the plus strand (A>C on the coding strand, the complement: COPA is on the minus strand). VCF-style: chr1-160340277-T-G. GRCh37 (hg19) VCF-style: chr1-160310067-T-G.
Other names: c.58A>C, p.Lys20Gln (NM_001098398.2); short protein forms K20Q.
Identifiers: ClinVar variation 3495947 (VCV003495947.3).

ClinVar aggregate classification (germline): Uncertain significance. Review status: criteria provided, multiple submitters, no conflicts (2 of 4 stars). 2 submissions from 2 submitters: Uncertain significance (2). Last evaluated 2025-02-27.

Conditions:
Autoimmune interstitial lung disease-arthritis syndrome. Also called: Autoinflammation and autoimmunity, systemic, with immune dysregulation. Identifiers: Orphanet 444092, MedGen C5975714, MONDO:0014629.
Inborn genetic diseases. Identifiers: MedGen C0950123, MeSH D030342.

gnomAD v4.1: 2 of 1,613,294 alleles (0.00012%); highest among the groups gnomAD compares: Non-Finnish European, 0.00017%; no homozygotes.

Submissions (2):

Labcorp Genetics (formerly Invitae), Labcorp
Classification: Uncertain significance for Autoimmune interstitial lung disease-arthritis syndrome. Last evaluated: 2025-02-27. Review status: criteria provided, single submitter. Criteria: Invitae Variant Classification Sherloc (09022015). Collection method: clinical testing. Allele origin: germline.
Comment: This sequence change replaces lysine, which is basic and polar, with glutamine, which is neutral and polar, at codon 20 of the COPA protein (p.Lys20Gln). This variant is not present in population databases (gnomAD no frequency). This variant has not been reported in the literature in individuals affected with COPA-related conditions. ClinVar contains an entry for this variant (Variation ID: 3495947). Invitae Evidence Modeling of protein sequence and biophysical properties (such as structural, functional, and spatial information, amino acid conservation, physicochemical variation, residue mobility, and thermodynamic stability) indicates that this missense variant is not expected to disrupt COPA protein function with a negative predictive value of 80%. In summary, the available evidence is currently insufficient to determine the role of this variant in disease. Therefore, it has been classified as a Variant of Uncertain Significance.

Ambry Genetics
Classification: Uncertain significance for Inborn genetic diseases. Last evaluated: 2024-09-25. Review status: criteria provided, single submitter. Criteria: Ambry Variant Classification Scheme 2023. Collection method: clinical testing. Allele origin: germline.